The following is an entry in ClinVar:

ClinVar aggregate classification (germline): Benign/Likely benign. Review status: criteria provided, multiple submitters, no conflicts (2 of 4 stars). 33 submissions from 32 submitters: Benign (14); Likely benign (10). 9 of the submissions do not count toward it. Last evaluated 2026-08-01.

Conditions:
Breast and/or ovarian cancer. Identifiers: MedGen CN221562.
Hereditary cancer-predisposing syndrome. Also called: Neoplastic Syndromes, Hereditary; Tumor predisposition; Hereditary neoplastic syndrome; Hereditary Cancer Syndrome. Identifiers: Orphanet 140162, MedGen C0027672, MeSH D009386, MONDO:0015356.
Fanconi anemia complementation group O. Also called: RAD51C-Related Fanconi Anemia. Identifiers: Orphanet 84, MedGen C3150653, MONDO:0013248, OMIM 613390.
Breast-ovarian cancer, familial, susceptibility to, 3. Also called: RAD51C-Related Breast/Ovarian Cancer. Identifiers: Orphanet 145, MedGen C3150659, MONDO:0013253, OMIM 613399.
Malignant tumor of breast. Also called: Malignant breast neoplasm; Cancer breast. Identifiers: MedGen C0006142, MONDO:0007254. Disease mechanism: loss of function.

Allele frequency attached by ClinVar (database versions not stated): 1000 Genomes Project 0.00200; 1000 Genomes Project 30x 0.00203; gnomAD 0.00340 and 0.00349; TOPMed 0.00343; gnomAD exomes 0.00352 and 0.00512; ExAC 0.00353; ESP Exome Variant Server 0.00461.
gnomAD v4.1: 7,973 of 1,612,814 alleles (0.49%); highest among the groups gnomAD compares: Middle Eastern, 0.63%; 33 homozygotes.

Submissions 1 to 23 of 33:

CeGaT Center for Human Genetics Tuebingen
Classification: Likely benign. Last evaluated: 2026-08-01. Review status: criteria provided, single submitter. Criteria: CeGaT Center For Human Genetics Tuebingen Variant Classification Criteria Version 2. Collection method: clinical testing. Allele origin: germline. Affected: yes. Observed: 47 variant alleles.
Comment: RAD51C: BP4, BS2

Labcorp Genetics (formerly Invitae), Labcorp
Classification: Benign for Fanconi anemia complementation group O. Last evaluated: 2026-02-04. Review status: criteria provided, single submitter. Criteria: Invitae Variant Classification Sherloc (09022015). Collection method: clinical testing. Allele origin: germline.

Dasa
Classification: Benign. Last evaluated: 2025-11-18. Review status: criteria provided, single submitter. Criteria: DASA Assertion Criteria. Collection method: clinical testing. Allele origin: germline.
Comment: NM_058216.3(RAD51C):c.376G>A (p.Ala126Thr) is a missense variant that results in the substitution of alanine with threonine. Population frequency is inconsistent with a disease-causing role for this variant, and observations in unaffected individuals support a benign interpretation. Computational prediction algorithms are consistent with a benign effect. Therefore, based on the currently available evidence, this variant is classified as benign.

Mayo Clinic Laboratories, Mayo Clinic
Classification: Likely benign. Last evaluated: 2025-09-17. Review status: criteria provided, single submitter. Criteria: ACMG Guidelines, 2015. Collection method: clinical testing. Allele origin: germline. Observed: 6 variant alleles.
Comment: BS1, BP4_moderate

Molecular Diagnostics Laboratory, Catalan Institute of Oncology
Classification: Likely benign for Hereditary cancer-predisposing syndrome. Last evaluated: 2025-07-07. Review status: criteria provided, single submitter. Criteria: ACMG Guidelines, 2015. Collection method: clinical testing. Allele origin: germline.
Comment: BS2_Supporting, BS3_Supporting, BP4_Moderate c.376G>A, located in exon 2 of the RAD51C gene, is predicted to result in the substitution of alanine with threonine at codon 126, p.(Ala126Thr). In the gnomAD v2.1.1 database (non-cancer data set), the variant allele was found in 628/117458 alleles, with a filter allele frequency of 0.4862% at 99% confidence, within the European (non-Finnish) population; additionally, there are 3 homozygotes reported in the database (BS2_Supporting). The SpliceAI algorithm predicts no significant impact on splicing. The REVEL meta-predictor score (0.102) for this variant suggests that it does not affect the protein function according Pejaver 2022 thresholds (PMID:36413997) (BP4_Moderate). A functional study revealed that expression of c.376G>A variant RAD51C cDNAs, transferred via retroviral vectors to Rad51c-/- DT40 cells and to human RAD51C-mutated fibroblasts, allowed both normal cellular survival and normal RAD51 foci formation in response to MMC exposure (PMID: 20400964). Consistently, yeast two-hybrid and immunoblot assays indicated that the RAD51C-A126T variant does not substantially alter either the ability of RAD51C to interact with its companion proteins or its steady-state level (PMID: 21980511) (BS3_Supporting). On the other hand, this variant has been reported in controls, in individuals or families with hereditary breast and ovarian cancer, and also in cases with other cancers (PMID: 26740214, 24082139, 22476429, 22451500, 21990120, 21980511, 20723205, 20400964, 25086635, 22725699, 23117857, 22370629, 21537932, 24315737, 21750962, 21409391, internal data). Additionally, it has been reported in the ClinVar database (14x benign, 15x likely benign) and in the LOVD database (1x benign, 11x likely benign, 3x uncertain significance). Based on the currently available information, c.376G>A is classified as a likely benign variant according to ACMG guidelines.

ARUP Laboratories, Molecular Genetics and Genomics, ARUP Laboratories
Classification: Benign. Last evaluated: 2025-05-15. Review status: criteria provided, single submitter. Criteria: ARUP Molecular Germline Variant Investigation Process 2024. Collection method: clinical testing. Allele origin: germline.

Center for Genomic Medicine, Rigshospitalet, Copenhagen University Hospital
Classification: Likely benign. Last evaluated: 2025-03-04. Review status: criteria provided, single submitter. Criteria: ACMG Guidelines, 2015. Collection method: clinical testing. Allele origin: germline.

Blueprint Genetics
Classification: Likely benign. Last evaluated: 2024-11-27. Review status: criteria provided, single submitter. Criteria: ACMG Guidelines, 2015. Collection method: clinical testing. Allele origin: germline.

Genomic Medicine Center of Excellence, King Faisal Specialist Hospital and Research Centre
Classification: Benign for Breast-ovarian cancer, familial, susceptibility to, 3. Last evaluated: 2024-03-29. Review status: criteria provided, single submitter. Criteria: ACMG Guidelines, 2015. Collection method: clinical testing. Allele origin: germline.

KCCC/NGS Laboratory, Kuwait Cancer Control Center
Classification: Benign for Breast-ovarian cancer, familial, susceptibility to, 3. Last evaluated: 2023-07-07. Review status: criteria provided, single submitter. Criteria: ACMG Guidelines, 2015. Collection method: clinical testing. Allele origin: germline. Affected: yes.

Myriad Genetics, Inc.
Classification: Benign for Breast-ovarian cancer, familial, susceptibility to, 3. Last evaluated: 2023-05-10. Review status: criteria provided, single submitter. Criteria: Myriad Autosomal Dominant, Autosomal Recessive and X-Linked Classification Criteria (2023). Collection method: clinical testing. Allele origin: unknown.
Comment: This variant is considered benign. This variant has been observed at a population frequency that is significantly greater than expected given the associated disease prevalence and penetrance.

Institute for Clinical Genetics, University Hospital TU Dresden, University Hospital TU Dresden
Classification: Likely benign. Last evaluated: 2021-11-03. Review status: criteria provided, single submitter. Criteria: ACMG Guidelines, 2015. Collection method: clinical testing. Allele origin: germline.

Genetic Services Laboratory, University of Chicago
Classification: Benign. Last evaluated: 2021-06-10. Review status: criteria provided, single submitter. Criteria: ACMG Guidelines, 2015. Collection method: clinical testing. Allele origin: germline. Affected: no.

Genetics and Molecular Pathology, SA Pathology
Classification: Likely benign for Breast-ovarian cancer, familial, susceptibility to, 3. Last evaluated: 2020-10-19. Review status: criteria provided, single submitter. Criteria: ACMG Guidelines, 2015. Collection method: clinical testing. Allele origin: germline. Affected: yes.

Quest Diagnostics Nichols Institute San Juan Capistrano
Classification: Benign. Last evaluated: 2020-08-14. Review status: criteria provided, single submitter. Criteria: Quest Diagnostics criteria. Collection method: clinical testing. Allele origin: unknown.

Sema4
Classification: Benign for Hereditary cancer-predisposing syndrome. Last evaluated: 2020-05-20. Review status: criteria provided, single submitter. Criteria: Sema4 Curation Guidelines. Collection method: curation. Allele origin: germline.

Mendelics
Classification: Likely benign for Fanconi anemia complementation group O. Last evaluated: 2019-05-28. Review status: criteria provided, single submitter. Criteria: Mendelics Assertion Criteria 2017. Collection method: clinical testing. Allele origin: unknown.

CHEO Genetics Diagnostic Laboratory, Children's Hospital of Eastern Ontario
Classification: Benign for Breast and/or ovarian cancer. Last evaluated: 2019-05-15. Review status: criteria provided, single submitter. Criteria: ACMG Guidelines, 2015. Collection method: clinical testing. Allele origin: germline.

Eurofins Ntd Llc (ga)
Classification: Benign. Last evaluated: 2018-04-06. Review status: criteria provided, single submitter. Criteria: EGL ClinVar v180209 classification definitions. Collection method: clinical testing. Allele origin: germline. Observed: 3 variant alleles, 3 heterozygotes.

Color Diagnostics, LLC DBA Color Health
Classification: Benign for Hereditary cancer-predisposing syndrome. Last evaluated: 2015-10-16. Review status: criteria provided, single submitter. Criteria: ACMG Guidelines, 2015. Collection method: clinical testing. Allele origin: germline.

Ambry Genetics
Classification: Benign for Hereditary cancer-predisposing syndrome. Last evaluated: 2014-07-28. Review status: criteria provided, single submitter. Criteria: Ambry Variant Classification Scheme 2023. Collection method: clinical testing. Allele origin: germline.

GeneDx
Classification: Benign. Last evaluated: 2014-04-03. Review status: criteria provided, single submitter. Criteria: GeneDx Variant Classification (06012015). Collection method: clinical testing. Allele origin: germline. Affected: yes.
Comment: This variant is considered likely benign or benign based on one or more of the following criteria: it is a conservative change, it occurs at a poorly conserved position in the protein, it is predicted to be benign by multiple in silico algorithms, and/or has population frequency not consistent with disease.

Breakthrough Genomics
Classification: Likely benign. Review status: criteria provided, single submitter. Criteria: ACMG Guidelines, 2015. Collection method: not provided. Allele origin: germline. Inheritance: Autosomal recessive inheritance. Affected: yes.

NM_058216.3(RAD51C):c.376G>A (p.Ala126Thr)

Gene: RAD51C (RAD51 paralog C; plus strand). Cytogenetic location: 17q22.
Variant type: single nucleotide variant.
Coding change: c.376G>A on transcript NM_058216.3 (MANE Select); coding-DNA position 376, G replaced by A.
Protein change: p.Ala126Thr; replaces alanine 126 with threonine.
Molecular consequence: missense variant. On other transcripts: non-coding transcript variant (2).
Genome position (GRCh38, 1-based): chr17:58,695,161, G>A. VCF-style: chr17-58695161-G-A. GRCh37 (hg19) VCF-style: chr17-56772522-G-A.
Other names: p.A126T:GCA>ACA; c.376G>A, p.Ala126Thr (NM_002876.4); short protein forms A126T.
Identifiers: ClinVar variation 132721 (VCV000132721.102), dbSNP rs61758784, ClinGen allele CA293985.